The following is an entry in ClinVar:

NM_000431.4(MVK):c.925G>A (p.Gly309Ser)

Gene: MVK (mevalonate kinase; plus strand). Cytogenetic location: 12q24.11.
Variant type: single nucleotide variant.
Coding change: c.925G>A on transcript NM_000431.4 (MANE Select); coding-DNA position 925, G replaced by A.
Protein change: p.Gly309Ser; replaces glycine 309 with serine.
Molecular consequence: missense variant.
Genome position (GRCh38, 1-based): chr12:109,595,067, G>A. VCF-style: chr12-109595067-G-A. GRCh37 (hg19) VCF-style: chr12-110032872-G-A.
Other names: c.925G>A (NM_000431.3); c.925G>A, p.Gly309Ser (NM_001114185.3); c.769G>A, p.Gly257Ser (NM_001301182.2); short protein forms G309S, G257S.
Identifiers: ClinVar variation 97637 (VCV000097637.8), dbSNP rs104895305, ClinGen allele CA149928.

ClinVar aggregate classification (germline): Likely pathogenic. Review status: criteria provided, multiple submitters, no conflicts (2 of 4 stars). 7 submissions from 7 submitters: Likely pathogenic (4). 3 of the submissions do not count toward it. Last evaluated 2026-04-21.

Conditions:
Deficiency of mevalonate kinase. Also called: Mevalonate kinase deficiency. Identifiers: Orphanet 309025, MedGen C0342731, MONDO:0017708.
MVK-related disorder. Also called: MVK-related condition; MVK-related disorders. Identifiers: MedGen CN239294.
Porokeratosis 3, disseminated superficial actinic type (POROK3). Also called: POROKERATOSIS, DISSEMINATED SUPERFICIAL ACTINIC, 1; POROKERATOSIS 3, MULTIPLE TYPES; POROKERATOSIS 3, MIBELLI TYPE. Identifiers: MedGen C1867981, MONDO:0008293, OMIM 175900.
Mevalonic aciduria (MEVA). Identifiers: Orphanet 29, MedGen C1959626, MONDO:0012481, OMIM 610377.
Hyperimmunoglobulin D with periodic fever (HIDS). Also called: HYPERIMMUNOGLOBULINEMIA D AND PERIODIC FEVER SYNDROME; Hyperimmunoglobulinemia D with periodic fever; Hyperimmunoglobulinemia D. Identifiers: Orphanet 343, MedGen C0398691, MONDO:0009849, OMIM 260920.

Allele frequency attached by ClinVar (database versions not stated): TOPMed 0.00001.
gnomAD v4.1: 8 of 1,614,198 alleles (0.0005%); highest among the groups gnomAD compares: South Asian, 0.0011%; no homozygotes.

Submissions (7):

PreventionGenetics, part of Exact Sciences
Classification: Likely pathogenic for MVK-related condition. Last evaluated: 2026-04-21. Review status: criteria provided, single submitter. Criteria: ACMG Guidelines, 2015. Collection method: clinical testing. Allele origin: germline.
Comment: The MVK c.925G>A variant is predicted to result in the amino acid substitution p.Gly309Ser. This variant has been reported in the compound heterozygous state with a second causative MVK variant in individuals with autosomal recessive mevalonate kinase (MVK) deficiency including Hyper-IgD syndrome (HIDS) and mevalonic aciduria (Cuisset et al. 2001. PubMed ID: 11313769; Berody et al. 2015. PubMed ID: 25677409; Li et al. 2024. PubMed ID: 38983106; Bader-Meunier et al. 2011. PubMed ID: 21708801). Functional studies have noted that this variant severely causes near-absent or undetectable MVK enzyme activity (Cuisset et al. 2001. PubMed ID: 11313769; Bader-Meunier et al. 2011. PubMed ID: 21708801). This variant is reported in 0.0046% of alleles in individuals of European (Finnish) descent in gnomAD. Because autosomal recessive mevalonate kinase deficiency and autosomal dominant porokeratosis both stem from a loss-of-function mechanism, this variant is interpreted as likely pathogenic for MVK-related disorders.

Myriad Genetics, Inc.
Classification: Likely pathogenic for Deficiency of mevalonate kinase. Last evaluated: 2025-07-01. Review status: criteria provided, single submitter. Criteria: Myriad Autosomal Dominant, Autosomal Recessive and X-Linked Classification Criteria (2023). Collection method: clinical testing. Allele origin: unknown.
Comment: NM_000431.2(MVK):c.925G>A(G309S) is a missense variant classified as likely pathogenic in the context of mevalonate kinase deficiency. G309S has been observed in cases with relevant disease (PMID: 38983106, 11313769, 25677409, 21708801). Relevant functional assessments of this variant are not available in the literature. G309S has been observed in referenced population frequency databases. In summary, NM_000431.2(MVK):c.925G>A(G309S) is a missense variant that has been observed more frequently in cases with the relevant disease than in healthy populations. Please note: this variant was assessed in the context of healthy population screening.

Fulgent Genetics
Classification: Likely pathogenic for Porokeratosis 3, disseminated superficial actinic type; Hyperimmunoglobulin D with periodic fever; Mevalonic aciduria. Last evaluated: 2024-06-07. Review status: criteria provided, single submitter. Criteria: ACMG Guidelines, 2015. Collection method: clinical testing. Allele origin: germline.

Blueprint Genetics
Classification: Likely pathogenic for MVK-related disorders. Last evaluated: 2021-12-03. Review status: criteria provided, single submitter. Criteria: ACMG Guidelines, 2015. Collection method: clinical testing. Allele origin: germline. Affected: yes. Observed: 2 variant alleles.

Genome Diagnostics Laboratory, University Medical Center Utrecht
Classification: Pathogenic. Review status: no assertion criteria provided. Collection method: clinical testing. Allele origin: germline. Affected: yes. Study: VKGL Data-share Consensus. Not counted in ClinVar's aggregate classification.

Joint Genome Diagnostic Labs from Nijmegen and Maastricht, Radboudumc and MUMC+
Classification: Likely pathogenic. Review status: no assertion criteria provided. Collection method: clinical testing. Allele origin: germline. Affected: yes. Study: VKGL Data-share Consensus. Not counted in ClinVar's aggregate classification.

Unité médicale des maladies autoinflammatoires, CHRU Montpellier
No classification provided. Condition: Hyperimmunoglobulin D with periodic fever. Review status: no classification provided. Collection method: not provided. Allele origin: unknown. Not counted in ClinVar's aggregate classification.
Comment: also involved in OMIM 25117

Literature cited by the submitters: PubMed 11313769 (cited by Myriad Genetics, Inc.); PubMed 21708801 (cited by Myriad Genetics, Inc.); PubMed 25677409 (cited by Myriad Genetics, Inc.); PubMed 38983106 (cited by Myriad Genetics, Inc.).